The following is an entry in ClinVar:

ClinVar aggregate classification (germline): Uncertain significance (1 of 4 stars; one submission).

Conditions:
Developmental and epileptic encephalopathy 94 (DEE94). Also called: CHD2-Related Neurodevelopmental Disorders; Epileptic encephalopathy, childhood-onset. Identifiers: Orphanet 1942, Orphanet 2382, MedGen C3809278, MONDO:0014150, OMIM 615369.

Allele frequency attached by ClinVar (database versions not stated): gnomAD exomes below 0.00001.
gnomAD v4.1: 1 of 1,612,958 alleles (0.000062%); highest among the groups gnomAD compares: Non-Finnish European, 0.000085%; no homozygotes.

Submission:

Labcorp Genetics (formerly Invitae), Labcorp
Classification: Uncertain significance for Developmental and epileptic encephalopathy 94. Last evaluated: 2020-02-07. Review status: criteria provided, single submitter. Criteria: Invitae Variant Classification Sherloc (09022015). Collection method: clinical testing. Allele origin: germline.
Comment: In summary, the available evidence is currently insufficient to determine the role of this variant in disease. Therefore, it has been classified as a Variant of Uncertain Significance. Nucleotide substitutions within the consensus splice site are a relatively common cause of aberrant splicing (PMID: 17576681, 9536098). Algorithms developed to predict the effect of sequence changes on RNA splicing suggest that this variant may disrupt the consensus splice site, but this prediction has not been confirmed by published transcriptional studies. Algorithms developed to predict the effect of missense changes on protein structure and function (SIFT, PolyPhen-2, Align-GVGD) all suggest that this variant is likely to be disruptive, but these predictions have not been confirmed by published functional studies and their clinical significance is uncertain. This variant has not been reported in the literature in individuals with CHD2-related conditions. This variant is not present in population databases (ExAC no frequency). This sequence change replaces serine with asparagine at codon 231 of the CHD2 protein (p.Ser231Asn). The serine residue is highly conserved and there is a small physicochemical difference between serine and asparagine. This variant also falls at the last nucleotide of exon 7 of the CHD2 coding sequence, which is part of the consensus splice site for this exon.

Literature cited by the submitters: PubMed 17576681; PubMed 9536098.

NM_001271.4(CHD2):c.692G>A (p.Ser231Asn)

Gene: CHD2 (chromodomain helicase DNA binding protein 2; plus strand). Cytogenetic location: 15q26.1.
Variant type: single nucleotide variant.
Coding change: c.692G>A on transcript NM_001271.4 (MANE Select); coding-DNA position 692, G replaced by A.
Protein change: p.Ser231Asn; replaces serine 231 with asparagine.
Molecular consequence: missense variant.
Genome position (GRCh38, 1-based): chr15:92,939,718, G>A. VCF-style: chr15-92939718-G-A. GRCh37 (hg19) VCF-style: chr15-93482948-G-A.
Other names: c.692G>A, p.Ser231Asn (NM_001042572.3); short protein forms S231N.
Identifiers: ClinVar variation 1051808 (VCV001051808.11), dbSNP rs1262732938, ClinGen allele CA393900275.